The following is an entry in ClinVar:

ClinVar aggregate classification (germline): Uncertain significance (1 of 4 stars; one submission).

gnomAD v4.1: 11 of 1,612,308 alleles (0.00068%); highest among the groups gnomAD compares: Admixed American, 0.0017%; no homozygotes.

Submission:

Labcorp Genetics (formerly Invitae), Labcorp
Classification: Uncertain significance. Last evaluated: 2023-12-11. Review status: criteria provided, single submitter. Criteria: Invitae Variant Classification Sherloc (09022015). Collection method: clinical testing. Allele origin: germline.
Comment: This sequence change replaces proline, which is neutral and non-polar, with leucine, which is neutral and non-polar, at codon 892 of the LARS2 protein (p.Pro892Leu). This variant is present in population databases (no rsID available, gnomAD 0.003%). This variant has not been reported in the literature in individuals affected with LARS2-related conditions. ClinVar contains an entry for this variant (Variation ID: 1939864). Advanced modeling of protein sequence and biophysical properties (such as structural, functional, and spatial information, amino acid conservation, physicochemical variation, residue mobility, and thermodynamic stability) performed at Invitae indicates that this missense variant is not expected to disrupt LARS2 protein function with a negative predictive value of 80%. In summary, the available evidence is currently insufficient to determine the role of this variant in disease. Therefore, it has been classified as a Variant of Uncertain Significance.

NM_015340.4(LARS2):c.2675C>T (p.Pro892Leu)

Gene: LARS2 (leucyl-tRNA synthetase 2, mitochondrial; plus strand). Cytogenetic location: 3p21.31.
Variant type: single nucleotide variant.
Coding change: c.2675C>T on transcript NM_015340.4 (MANE Select); coding-DNA position 2675, C replaced by T.
Protein change: p.Pro892Leu; replaces proline 892 with leucine.
Molecular consequence: missense variant.
Genome position (GRCh38, 1-based): chr3:45,547,493, C>T. VCF-style: chr3-45547493-C-T. GRCh37 (hg19) VCF-style: chr3-45588985-C-T.
Other names: c.2675C>T, p.Pro892Leu (NM_001368263.1); short protein forms P892L.
Identifiers: ClinVar variation 1939864 (VCV001939864.5), dbSNP rs990049514, ClinGen allele CA352431357.
Genomic context (GRCh38, chr3:45,547,493, plus strand): 5'-AAAGCGAGCTGGGTGTCAGGCTTTTGCAAGGACGAAGCATCAAGAAGTCCTTCCTTTCCC[C>T]GAGAACTGCCCTCATCAACTTCCTGGTGCAAGATTGACAGCCAGGAGGCTGCAGCTACCA-3'
Protein context (NP_056155.1, residues 882-902): GRSIKKSFLS[Pro892Leu]RTALINFLVQ